The following is an entry in ClinVar:

ClinVar aggregate classification (germline): Uncertain significance. Review status: criteria provided, multiple submitters, no conflicts (2 of 4 stars). 3 submissions from 3 submitters: Uncertain significance (3). Last evaluated 2024-12-02.

Conditions:
Biotin-responsive basal ganglia disease (BTBGD). Also called: thiamine-responsive encephalopathy; Thiamine metabolism dysfunction syndrome type 2; Thiamine Transporter-2 Deficiency; Thiamine metabolism dysfunction syndrome 2 (biotin- or thiamine-responsive encephalopathy type 2); THIAMINE METABOLISM DYSFUNCTION SYNDROME 2 (BIOTIN- AND THIAMINE-RESPONSIVE TYPE). Identifiers: Orphanet 199348, Orphanet 65284, MedGen C1843807, MONDO:0011841, OMIM 607483.

Allele frequency attached by ClinVar (database versions not stated): TOPMed below 0.00001.

Submissions (3):

Women's Health and Genetics/Laboratory Corporation of America, LabCorp
Classification: Uncertain significance. Last evaluated: 2024-12-02. Review status: criteria provided, single submitter. Criteria: LabCorp Variant Classification Summary - May 2015. Collection method: clinical testing. Allele origin: germline.
Comment: Variant summary: SLC19A3 c.175T>C (p.Trp59Arg) results in a non-conservative amino acid change in the encoded protein sequence. Five of five in-silico tools predict a damaging effect of the variant on protein function. The variant was absent in 250478 control chromosomes. c.175T>C has been reported in the literature in a homozygous individual affected with Basal ganglia disease, biotin-thiamine-responsive (Aburezq_2023). These data indicate that the variant may be associated with disease. To our knowledge, no experimental evidence demonstrating an impact on protein function has been reported. The following publication have been ascertained in the context of this evaluation (PMID: 37670342). ClinVar contains an entry for this variant (Variation ID: 2424785). Based on the evidence outlined above, the variant was classified as VUS-possibly pathogenic.

Labcorp Genetics (formerly Invitae), Labcorp
Classification: Uncertain significance for Biotin-responsive basal ganglia disease. Last evaluated: 2022-08-31. Review status: criteria provided, single submitter. Criteria: Invitae Variant Classification Sherloc (09022015). Collection method: clinical testing. Allele origin: germline.
Comment: In summary, the available evidence is currently insufficient to determine the role of this variant in disease. Therefore, it has been classified as a Variant of Uncertain Significance. Advanced modeling of protein sequence and biophysical properties (such as structural, functional, and spatial information, amino acid conservation, physicochemical variation, residue mobility, and thermodynamic stability) performed at Invitae indicates that this missense variant is expected to disrupt SLC19A3 protein function. This variant has not been reported in the literature in individuals affected with SLC19A3-related conditions. This variant is not present in population databases (gnomAD no frequency). This sequence change replaces tryptophan, which is neutral and slightly polar, with arginine, which is basic and polar, at codon 59 of the SLC19A3 protein (p.Trp59Arg).

Revvity Omics, Revvity
Classification: Uncertain significance for Biotin-responsive basal ganglia disease. Last evaluated: 2021-05-28. Review status: criteria provided, single submitter. Criteria: ACMG Guidelines, 2015. Collection method: clinical testing. Allele origin: germline.

Literature cited by the submitters: PubMed 37670342 (cited by Women's Health and Genetics/Laboratory Corporation of America, LabCorp).

NM_025243.4(SLC19A3):c.175T>C (p.Trp59Arg)

Gene: SLC19A3 (solute carrier family 19 member 3; minus strand). Cytogenetic location: 2q36.3.
Variant type: single nucleotide variant.
Coding change: c.175T>C on transcript NM_025243.4 (MANE Select); coding-DNA position 175, T replaced by C.
Protein change: p.Trp59Arg; replaces tryptophan 59 with arginine.
Molecular consequence: missense variant.
Genome position (GRCh38, 1-based): chr2:227,699,540, A>G on the plus strand (T>C on the coding strand, the complement: SLC19A3 is on the minus strand). VCF-style: chr2-227699540-A-G. GRCh37 (hg19) VCF-style: chr2-228564256-A-G.
Other names: c.175T>C, p.Trp59Arg (NM_001371411.1, NM_001371412.1); c.163T>C, p.Trp55Arg (NM_001371413.1, NM_001371414.1); short protein forms W55R, W59R.
Identifiers: ClinVar variation 2424785 (VCV002424785.11), dbSNP rs1695593561, ClinGen allele CA350877775.